The following is an entry in ClinVar:

NM_002617.4(PEX10):c.-7C>T

Gene: PEX10 (peroxisomal biogenesis factor 10; minus strand). Cytogenetic location: 1p36.32.
Variant type: single nucleotide variant.
Coding change: c.-7C>T on transcript NM_002617.4 (MANE Select); 7 bases upstream of the start codon, C replaced by T.
Molecular consequence: 5 prime UTR variant. On other transcripts: intron variant (2).
Genome position (GRCh38, 1-based): chr1:2,412,509, G>A on the plus strand (C>T on the coding strand, the complement: PEX10 is on the minus strand). VCF-style: chr1-2412509-G-A. GRCh37 (hg19) VCF-style: chr1-2343948-G-A.
Other names: c.-7C>T (NM_001374425.1, NM_153818.2); c.-321+1088C>T (NM_001374427.1, NM_001374426.1).
Identifiers: ClinVar variation 3051842 (VCV003051842.2), dbSNP rs1178909387, ClinGen allele CA520680072.

ClinVar aggregate classification (germline): Likely benign (0 of 4 stars; one submission).

Conditions:
PEX10-related disorder. Also called: PEX10-related condition.

Allele frequency attached by ClinVar (database versions not stated): gnomAD 0.00002; TOPMed 0.00002.
gnomAD v4.1: 15 of 1,349,922 alleles (0.0011%); highest among the groups gnomAD compares: South Asian, 0.0054%; no homozygotes.

Submission:

PreventionGenetics, part of Exact Sciences
Classification: Likely benign for PEX10-related condition. Last evaluated: 2022-10-10. Review status: no assertion criteria provided. Collection method: clinical testing. Allele origin: germline.
Comment: This variant is classified as likely benign based on ACMG/AMP sequence variant interpretation guidelines (Richards et al. 2015 PMID: 25741868, with internal and published modifications).